The following is an entry in ClinVar:

NM_001351132.2(PEX5):c.1181+9A>G

Gene: PEX5 (peroxisomal biogenesis factor 5; plus strand). Cytogenetic location: 12p13.31.
Variant type: single nucleotide variant.
Coding change: c.1181+9A>G on transcript NM_001351132.2 (MANE Select); 9 bases into the intron after coding-DNA position 1181, A replaced by G.
Molecular consequence: intron variant.
Genome position (GRCh38, 1-based): chr12:7,208,089, A>G. VCF-style: chr12-7208089-A-G. GRCh37 (hg19) VCF-style: chr12-7360685-A-G.
Other names: c.1181+9A>G (NM_001131025.1, NM_001131026.2, NM_001351131.2 and 5 more transcripts); c.1070+9A>G (NM_001351124.3, NM_001351126.2, NM_001374646.1 and 7 more transcripts); c.1046+9A>G (NM_001374649.2, NM_001351140.2, NM_001351139.2); c.1115+9A>G (NM_001351135.3, NM_001351138.2); c.1226+9A>G (NM_001131023.2); c.1172+9A>G (NM_001351136.2); c.1157+9A>G (NM_000319.5).
Identifiers: ClinVar variation 1643192 (VCV001643192.9), dbSNP rs774173665, ClinGen allele CA6426382.

ClinVar aggregate classification (germline): Likely benign. Review status: criteria provided, multiple submitters, no conflicts (2 of 4 stars). 2 submissions from 2 submitters: Likely benign (2). Last evaluated 2026-01-19.

Conditions:
Peroxisome biogenesis disorder 2B (PBD2B). Identifiers: Orphanet 44, MedGen C3550234, MONDO:0008736, OMIM 202370.
PEX5-related disorder. Also called: PEX5-Related Disorders; PEX5-related condition.

Allele frequency attached by ClinVar (database versions not stated): gnomAD exomes 0.00001 and 0.00003; ExAC 0.00002; gnomAD 0.00003; TOPMed 0.00003.
gnomAD v4.1: 41 of 1,604,892 alleles (0.0026%); highest among the groups gnomAD compares: African/African-American, 0.004%; no homozygotes.

Submissions (2):

Labcorp Genetics (formerly Invitae), Labcorp
Classification: Likely benign for Peroxisome biogenesis disorder 2B. Last evaluated: 2026-01-19. Review status: criteria provided, single submitter. Criteria: Invitae Variant Classification Sherloc (09022015). Collection method: clinical testing. Allele origin: germline.

PreventionGenetics, part of Exact Sciences
Classification: Likely benign for PEX5-related condition. Last evaluated: 2025-01-27. Review status: criteria provided, single submitter. Criteria: ACMG Guidelines, 2015. Collection method: clinical testing. Allele origin: germline.
Comment: This variant is classified as likely benign based on ACMG/AMP sequence variant interpretation guidelines (Richards et al. 2015 PMID: 25741868, with internal and published modifications).